The following is an entry in ClinVar:

NM_001283009.2(RTEL1):c.3006G>A (p.Pro1002=)

Genes: RTEL1 (regulator of telomere elongation helicase 1; plus strand), RTEL1-TNFRSF6B (RTEL1-TNFRSF6B readthrough (NMD candidate); plus strand). Cytogenetic location: 20q13.33.
Variant type: single nucleotide variant.
Coding change: c.3006G>A on transcript NM_001283009.2 (MANE Select); coding-DNA position 3006, G replaced by A.
Protein change: p.Pro1002=; no amino-acid change (proline 1002 retained).
Molecular consequence: synonymous variant. On other transcripts: non-coding transcript variant (1).
Genome position (GRCh38, 1-based): chr20:63,694,385, G>A. VCF-style: chr20-63694385-G-A. GRCh37 (hg19) VCF-style: chr20-62325738-G-A.
Other names: c.2337G>A, p.Pro779= (NM_001283010.1); c.3006G>A, p.Pro1002= (NM_016434.4); c.3078G>A, p.Pro1026= (NM_032957.5).
Identifiers: ClinVar variation 540962 (VCV000540962.38), dbSNP rs201351158, ClinGen allele CA9965796.

ClinVar aggregate classification (germline): Likely benign. Review status: criteria provided, multiple submitters, no conflicts (2 of 4 stars). 6 submissions from 6 submitters: Likely benign (6). Last evaluated 2026-06-26.

Conditions:
Pulmonary fibrosis and/or bone marrow failure, Telomere-related, 3. Also called: PULMONARY FIBROSIS AND/OR BONE MARROW FAILURE SYNDROME, TELOMERE-RELATED, 3. Identifiers: Orphanet 2032, MedGen C4225346, MONDO:0014613, OMIM 616373.
Dyskeratosis congenita, autosomal recessive 5 (DKCB5). Identifiers: MedGen C3554656, MONDO:0014076, OMIM 615190.
Inborn genetic diseases. Identifiers: MedGen C0950123, MeSH D030342.

Allele frequency attached by ClinVar (database versions not stated): TOPMed 0.00009; ESP Exome Variant Server 0.00015; 1000 Genomes Project 0.00040; 1000 Genomes Project 30x 0.00047.
gnomAD v4.1: 149 of 1,575,202 alleles (0.0095%); highest among the groups gnomAD compares: South Asian, 0.019%; no homozygotes.

Submissions (6):

Women's Health and Genetics/Laboratory Corporation of America, LabCorp
Classification: Likely benign. Last evaluated: 2026-06-26. Review status: criteria provided, single submitter. Criteria: LabCorp Variant Classification Summary - May 2015. Collection method: clinical testing. Allele origin: germline.

Labcorp Genetics (formerly Invitae), Labcorp
Classification: Likely benign for Dyskeratosis congenita, autosomal recessive 5; Pulmonary fibrosis and/or bone marrow failure, Telomere-related, 3. Last evaluated: 2026-02-03. Review status: criteria provided, single submitter. Criteria: Invitae Variant Classification Sherloc (09022015). Collection method: clinical testing. Allele origin: germline.

Ambry Genetics
Classification: Likely benign for Inborn genetic diseases. Last evaluated: 2024-11-22. Review status: criteria provided, single submitter. Criteria: Ambry Variant Classification Scheme 2023. Collection method: clinical testing. Allele origin: germline.

Blueprint Genetics
Classification: Likely benign. Last evaluated: 2024-07-11. Review status: criteria provided, single submitter. Criteria: ACMG Guidelines, 2015. Collection method: clinical testing. Allele origin: germline.

CeGaT Center for Human Genetics Tuebingen
Classification: Likely benign. Last evaluated: 2024-01-01. Review status: criteria provided, single submitter. Criteria: CeGaT Center For Human Genetics Tuebingen Variant Classification Criteria Version 2. Collection method: clinical testing. Allele origin: germline. Affected: yes. Observed: 1 variant allele.
Comment: RTEL1: BP4, BP7

GeneDx
Classification: Likely benign. Last evaluated: 2020-02-13. Review status: criteria provided, single submitter. Criteria: GeneDx Variant Classification Process June 2021. Collection method: clinical testing. Allele origin: germline. Affected: yes.
Comment: See Variant Classification Assertion Criteria.